The following is an entry in ClinVar:

NM_001277115.2(DNAH11):c.5868_5870del (p.Val1958del)

Gene: DNAH11 (dynein axonemal heavy chain 11; plus strand). Cytogenetic location: 7p15.3.
Variant type: Deletion.
Coding change: c.5868_5870del on transcript NM_001277115.2 (MANE Select); coding-DNA positions 5868 to 5870, 3 bases deleted (AGT; older notation c.5868_5870delAGT).
Protein change: p.Val1958del; deletes valine 1958.
Molecular consequence: inframe deletion.
Genome position (GRCh38, 1-based): chr7:21,687,471-21,687,473, AGT deleted. VCF-style (leftmost placement, unchanged base first): chr7-21687470-CAGT-C. GRCh37 (hg19) VCF-style: chr7-21727088-CAGT-C.
Other names: short protein forms V1958del.
Identifiers: ClinVar variation 3354992 (VCV003354992.1).

ClinVar aggregate classification (germline): Uncertain significance (0 of 4 stars; one submission).

Conditions:
DNAH11-related disorder. Also called: DNAH11-related condition.

Submission:

PreventionGenetics, part of Exact Sciences
Classification: Uncertain significance for DNAH11-related condition. Last evaluated: 2024-08-13. Review status: no assertion criteria provided. Collection method: clinical testing. Allele origin: germline.
Comment: The DNAH11 c.5868_5870delAGT variant is predicted to result in an in-frame deletion (p.Val1958del). To our knowledge, this variant has not been reported in the literature or in a large population database, indicating this variant is rare. Although we suspect this variant may be pathogenic, at this time, the clinical significance of this variant is uncertain due to the absence of conclusive functional and genetic evidence.